The following is an entry in ClinVar:

ClinVar aggregate classification (germline): Likely benign (1 of 4 stars; one submission).

Allele frequency attached by ClinVar (database versions not stated): TOPMed below 0.00001.

Submission:

GeneDx
Classification: Likely benign. Last evaluated: 2017-08-03. Review status: criteria provided, single submitter. Criteria: GeneDx Variant Classification (06012015). Collection method: clinical testing. Allele origin: germline. Affected: yes.
Comment: This variant is considered likely benign or benign based on one or more of the following criteria: it is a conservative change, it occurs at a poorly conserved position in the protein, it is predicted to be benign by multiple in silico algorithms, and/or has population frequency not consistent with disease.

NM_005050.3(ABCD4):c.-29G>A

Gene: ABCD4 (ATP binding cassette subfamily D member 4; minus strand). Cytogenetic location: 14q24.3.
Variant type: single nucleotide variant.
Coding change: c.-29G>A on transcript NM_005050.3; 29 bases upstream of the start codon, G replaced by A.
Genome position (GRCh38, 1-based): chr14:74,302,941, C>T on the plus strand (G>A on the coding strand, the complement: ABCD4 is on the minus strand). VCF-style: chr14-74302941-C-T. GRCh37 (hg19) VCF-style: chr14-74769644-C-T.
Identifiers: ClinVar variation 510969 (VCV000510969.3), dbSNP rs1555408435, ClinGen allele CA658798229.
Genomic context (GRCh38, chr14:74,302,941, plus strand): 5'-CCAGCTCCGGGCGCGGGCCCCGCGACCGCCATGACCTGAGACCCGAGGGACTCTGGAGCC[C>T]AGCTGCCCCTAGTTCAGTACTGGGTAGAGTCCGAGGAGGGGCGGGGCCCCGGCTACCACA-3'